The following is an entry in ClinVar:

ClinVar aggregate classification (germline): Uncertain significance. Review status: criteria provided, multiple submitters, no conflicts (2 of 4 stars). 3 submissions from 3 submitters: Uncertain significance (3). Last evaluated 2026-05-23.

Conditions:
Familial thoracic aortic aneurysm and aortic dissection (TAAD). Also called: Thoracic aortic aneurysms and dissections. Identifiers: Orphanet 91387, MedGen C4707243, MONDO:0019625.

Submissions (3):

Ambry Genetics
Classification: Uncertain significance for Familial thoracic aortic aneurysm and aortic dissection. Last evaluated: 2026-05-23. Review status: criteria provided, single submitter. Criteria: Ambry Variant Classification Scheme 2023. Collection method: clinical testing. Allele origin: germline.

GeneDx
Classification: Uncertain significance. Last evaluated: 2025-07-25. Review status: criteria provided, single submitter. Criteria: GeneDx Variant Classification Process June 2021. Collection method: clinical testing. Allele origin: germline. Affected: yes.
Comment: Not observed at significant frequency in large population cohorts (gnomAD); In silico analysis supports that this missense variant has a deleterious effect on protein structure/function; Has not been previously published as pathogenic or benign to our knowledge; Not located in the triple helical region, where the majority of pathogenic missense variants occur (HGMD)

Color Diagnostics, LLC DBA Color Health
Classification: Uncertain significance for Familial thoracic aortic aneurysm and aortic dissection. Last evaluated: 2025-06-09. Review status: criteria provided, single submitter. Criteria: ACMG Guidelines, 2015. Collection method: clinical testing. Allele origin: germline.
Comment: This missense variant replaces asparagine with tyrosine at codon 1257 of the COL3A1 protein. Computational prediction is inconclusive regarding the impact of this variant on protein structure and function. To our knowledge, functional studies have not been reported for this variant. This variant has not been reported in individuals affected with COL3A1-related disorders in the literature. This variant has been identified in 2/251102 chromosomes in the general population by the Genome Aggregation Database (gnomAD). The available evidence is insufficient to determine the role of this variant in disease conclusively. Therefore, this variant is classified as a Variant of Uncertain Significance.

NM_000090.4(COL3A1):c.3769A>T (p.Asn1257Tyr)

Gene: COL3A1 (collagen type III alpha 1 chain; plus strand). Cytogenetic location: 2q32.2.
Variant type: single nucleotide variant.
Coding change: c.3769A>T on transcript NM_000090.4 (MANE Select); coding-DNA position 3769, A replaced by T.
Protein change: p.Asn1257Tyr; replaces asparagine 1257 with tyrosine.
Molecular consequence: missense variant.
Genome position (GRCh38, 1-based): chr2:189,009,167, A>T. VCF-style: chr2-189009167-A-T. GRCh37 (hg19) VCF-style: chr2-189873893-A-T.
Other names: short protein forms N1257Y.
Identifiers: ClinVar variation 4686744 (VCV004686744.3).